The following is an entry in ClinVar:

ClinVar aggregate classification (germline): Uncertain significance (1 of 4 stars; one submission).

Conditions:
Spastic paraplegia. Identifiers: MedGen C0037772, HP:0001258.

Submission:

Labcorp Genetics (formerly Invitae), Labcorp
Classification: Uncertain significance for Spastic paraplegia. Last evaluated: 2022-07-06. Review status: criteria provided, single submitter. Criteria: Invitae Variant Classification Sherloc (09022015). Collection method: clinical testing. Allele origin: germline.
Comment: This sequence change replaces histidine, which is basic and polar, with tyrosine, which is neutral and polar, at codon 727 of the ZFYVE26 protein (p.His727Tyr). This variant is not present in population databases (gnomAD no frequency). This variant has not been reported in the literature in individuals affected with ZFYVE26-related conditions. Algorithms developed to predict the effect of missense changes on protein structure and function output the following: SIFT: "Tolerated"; PolyPhen-2: "Benign"; Align-GVGD: "Class C0". The tyrosine amino acid residue is found in multiple mammalian species, which suggests that this missense change does not adversely affect protein function. In summary, the available evidence is currently insufficient to determine the role of this variant in disease. Therefore, it has been classified as a Variant of Uncertain Significance.

NM_015346.4(ZFYVE26):c.2179C>T (p.His727Tyr)

Gene: ZFYVE26 (zinc finger FYVE-type containing 26; minus strand). Cytogenetic location: 14q24.1.
Variant type: single nucleotide variant.
Coding change: c.2179C>T on transcript NM_015346.4 (MANE Select); coding-DNA position 2179, C replaced by T.
Protein change: p.His727Tyr; replaces histidine 727 with tyrosine.
Molecular consequence: missense variant.
Genome position (GRCh38, 1-based): chr14:67,798,083, G>A on the plus strand (C>T on the coding strand, the complement: ZFYVE26 is on the minus strand). VCF-style: chr14-67798083-G-A. GRCh37 (hg19) VCF-style: chr14-68264800-G-A.
Other names: short protein forms H727Y.
Identifiers: ClinVar variation 2004874 (VCV002004874.1), dbSNP rs2502855931, ClinGen allele CA390175002.